The following is an entry in ClinVar:

ClinVar aggregate classification (germline): Likely pathogenic (1 of 4 stars; one submission).

Conditions:
Aicardi Goutieres syndrome (AGS). Also called: Encephalopathy, familial infantile, with calcification of basal ganglia and chronic cerebrospinal fluid lymphocytosis. Identifiers: Orphanet 51, MedGen C0393591, MONDO:0018866.

Submission:

Natera, Inc.
Classification: Likely pathogenic for Aicardi-Goutieres syndrome. Last evaluated: 2025-06-09. Review status: criteria provided, single submitter. Criteria: Natera Variant Classification Schema (03/2026). Collection method: clinical testing. Allele origin: germline.
Comment: The c.719del variant in SAMHD1 is a frameshift variant predicted to shift the reading frame beginning at codon 240 and leads to a stop codon 29 codons downstream. This variant is expected to result in nonsense mediated decay, truncation, or a dysfunctional protein product. This variant is rare in the general population with a frequency below the threshold expected for the associated phenotype(s). Given the available evidence, this variant is classified as Likely Pathogenic.

NM_015474.4(SAMHD1):c.719del (p.Met240fs)

Gene: SAMHD1 (SAM and HD domain containing deoxynucleoside triphosphate triphosphohydrolase 1; minus strand). Cytogenetic location: 20q11.23.
Variant type: Deletion.
Coding change: c.719del on transcript NM_015474.4 (MANE Select); coding-DNA position 719, one base deleted (T; older notation c.719delT).
Protein change: p.Met240fs; shifts the reading frame from methionine 240.
Molecular consequence: frameshift variant.
Genome position (GRCh38, 1-based): chr20:36,919,497, A deleted on the plus strand (T on the coding strand, the reverse complement: SAMHD1 is on the minus strand). VCF-style (leftmost placement, unchanged base first): chr20-36919496-CA-C. GRCh37 (hg19) VCF-style: chr20-35547899-CA-C.
Other names: c.719del, p.Met240fs (NM_001363729.2, NM_001363733.2); c.719delT, p.Met240Serfs (NM_015474.3); short protein forms M240fs.
Identifiers: ClinVar variation 4815859 (VCV004815859.1).